The following is an entry in ClinVar:

ClinVar aggregate classification (germline): Uncertain significance (1 of 4 stars; one submission).

Conditions:
RYR1-related disorder. Also called: RYR1-related condition; RYR1-related disorders. Identifiers: MedGen CN239331.

Allele frequency attached by ClinVar (database versions not stated): gnomAD exomes below 0.00001.
gnomAD v4.1: 2 of 1,614,172 alleles (0.00012%); highest among the groups gnomAD compares: African/African-American, 0.0013%; no homozygotes.

Submission:

Labcorp Genetics (formerly Invitae), Labcorp
Classification: Uncertain significance for RYR1-related disorder. Last evaluated: 2023-10-03. Review status: criteria provided, single submitter. Criteria: Invitae Variant Classification Sherloc (09022015). Collection method: clinical testing. Allele origin: germline.
Comment: This sequence change replaces threonine, which is neutral and polar, with isoleucine, which is neutral and non-polar, at codon 1235 of the RYR1 protein (p.Thr1235Ile). This variant is not present in population databases (gnomAD no frequency). This variant has not been reported in the literature in individuals affected with RYR1-related conditions. Advanced modeling of protein sequence and biophysical properties (such as structural, functional, and spatial information, amino acid conservation, physicochemical variation, residue mobility, and thermodynamic stability) has been performed at Invitae for this missense variant, however the output from this modeling did not meet the statistical confidence thresholds required to predict the impact of this variant on RYR1 protein function. In summary, the available evidence is currently insufficient to determine the role of this variant in disease. Therefore, it has been classified as a Variant of Uncertain Significance.

NM_000540.3(RYR1):c.3704C>T (p.Thr1235Ile)

Gene: RYR1 (ryanodine receptor 1; plus strand). Cytogenetic location: 19q13.2.
Variant type: single nucleotide variant.
Coding change: c.3704C>T on transcript NM_000540.3 (MANE Select); coding-DNA position 3704, C replaced by T.
Protein change: p.Thr1235Ile; replaces threonine 1235 with isoleucine.
Molecular consequence: missense variant.
Genome position (GRCh38, 1-based): chr19:38,469,452, C>T. VCF-style: chr19-38469452-C-T. GRCh37 (hg19) VCF-style: chr19-38960092-C-T.
Other names: c.3704C>T, p.Thr1235Ile (NM_001042723.2); short protein forms T1235I.
Identifiers: ClinVar variation 2898156 (VCV002898156.3), dbSNP rs2514117626, ClinGen allele CA405639686.
Genomic context (GRCh38, chr19:38,469,452, plus strand): 5'-TCTGTGGCCTCCAGGAAGGCTTCGAGCCATTTGCCATCAACATGCAGCGCCCAGTCACCA[C>T]CTGGTTCAGCAAAGGCCTGCCCCAGTTTGAGCCAGTGCCCCTTGAACACCCTCACTATGA-3'
Protein context (NP_000531.2, residues 1225-1245): FAINMQRPVT[Thr1235Ile]WFSKGLPQFE